The following is an entry in ClinVar:

NM_001267550.2(TTN):c.71340C>T (p.Thr23780=)

Genes: TTN (titin; minus strand), TTN-AS1 (TTN antisense RNA 1; plus strand). Cytogenetic location: 2q31.2.
Variant type: single nucleotide variant.
Coding change: c.71340C>T on transcript NM_001267550.2 (MANE Select); coding-DNA position 71340, C replaced by T.
Protein change: p.Thr23780=; no amino-acid change (threonine 23780 retained).
Molecular consequence: synonymous variant.
Genome position (GRCh38, 1-based): chr2:178,574,792, G>A on the plus strand (C>T on the coding strand, the complement: TTN is on the minus strand). VCF-style: chr2-178574792-G-A. GRCh37 (hg19) VCF-style: chr2-179439519-G-A.
Other names: c.66417C>T, p.Thr22139= (NM_001256850.1); c.44145C>T, p.Thr14715= (NM_003319.4); c.63636C>T, p.Thr21212= (NM_133378.4); c.44520C>T, p.Thr14840= (NM_133432.3); c.44721C>T, p.Thr14907= (NM_133437.4).
Identifiers: ClinVar variation 1617753 (VCV001617753.16), dbSNP rs540210124, ClinGen allele CA1990642.

ClinVar aggregate classification (germline): Likely benign. Review status: criteria provided, multiple submitters, no conflicts (2 of 4 stars). 3 submissions from 3 submitters: Likely benign (2). 1 of the submissions does not count toward it. Last evaluated 2026-02-25.

Conditions:
TTN-related disorder. Also called: TTN-related condition; TTN-related disease; TTN-related disorders.
Autosomal recessive limb-girdle muscular dystrophy type 2J (LGMDR10). Also called: Limb-girdle muscular dystrophy, type 2J; MUSCULAR DYSTROPHY, LIMB-GIRDLE, AUTOSOMAL RECESSIVE 10. Identifiers: Orphanet 140922, MedGen C1837342, MONDO:0012127, OMIM 608807.
Dilated cardiomyopathy 1G (CMD1G). Identifiers: Orphanet 154, MedGen C1858763, MONDO:0011400, OMIM 604145.
Cardiovascular phenotype. Identifiers: MedGen CN230736.

Allele frequency attached by ClinVar (database versions not stated): gnomAD 0.00001 and 0.00003; gnomAD exomes 0.00005 and 0.00002; 1000 Genomes Project 0.00020; 1000 Genomes Project 30x 0.00047; TOPMed 0.00002; ExAC 0.00003.
gnomAD v4.1: 30 of 1,612,114 alleles (0.0019%); highest among the groups gnomAD compares: South Asian, 0.0077%; no homozygotes.

Submissions (3):

Ambry Genetics
Classification: Likely benign for Cardiovascular phenotype. Last evaluated: 2026-02-25. Review status: criteria provided, single submitter. Criteria: Ambry Variant Classification Scheme 2023. Collection method: clinical testing. Allele origin: germline.

Labcorp Genetics (formerly Invitae), Labcorp
Classification: Likely benign for Dilated cardiomyopathy 1G; Autosomal recessive limb-girdle muscular dystrophy type 2J. Last evaluated: 2025-02-11. Review status: criteria provided, single submitter. Criteria: Invitae Variant Classification Sherloc (09022015). Collection method: clinical testing. Allele origin: germline.

PreventionGenetics, part of Exact Sciences
Classification: Likely benign for TTN-related condition. Last evaluated: 2022-04-04. Review status: no assertion criteria provided. Collection method: clinical testing. Allele origin: germline. Not counted in ClinVar's aggregate classification.
Comment: This variant is classified as likely benign based on ACMG/AMP sequence variant interpretation guidelines (Richards et al. 2015 PMID: 25741868, with internal and published modifications).